The following is an entry in ClinVar:

ClinVar aggregate classification (germline): Uncertain significance (1 of 4 stars; one submission).

Conditions:
Congenital myasthenic syndrome 8. Also called: MYASTHENIC SYNDROME, CONGENITAL, DUE TO AGRIN DEFICIENCY; Myasthenic syndrome, congenital, 8, with pre- and postsynaptic defects. Identifiers: Orphanet 590, MedGen C3808739, MONDO:0014052, OMIM 615120.

Submission:

Labcorp Genetics (formerly Invitae), Labcorp
Classification: Uncertain significance for Congenital myasthenic syndrome 8. Last evaluated: 2022-12-06. Review status: criteria provided, single submitter. Criteria: Invitae Variant Classification Sherloc (09022015). Collection method: clinical testing. Allele origin: germline.
Comment: In summary, the available evidence is currently insufficient to determine the role of this variant in disease. Therefore, it has been classified as a Variant of Uncertain Significance. Algorithms developed to predict the effect of missense changes on protein structure and function are either unavailable or do not agree on the potential impact of this missense change (SIFT: "Tolerated"; PolyPhen-2: "Probably Damaging"; Align-GVGD: "Class C0"). ClinVar contains an entry for this variant (Variation ID: 998675). This variant has not been reported in the literature in individuals affected with AGRN-related conditions. This variant is not present in population databases (gnomAD no frequency). This sequence change replaces leucine, which is neutral and non-polar, with proline, which is neutral and non-polar, at codon 1658 of the AGRN protein (p.Leu1658Pro).

NM_198576.4(AGRN):c.4973T>C (p.Leu1658Pro)

Gene: AGRN (agrin; plus strand). Cytogenetic location: 1p36.33.
Variant type: single nucleotide variant.
Coding change: c.4973T>C on transcript NM_198576.4 (MANE Select); coding-DNA position 4973, T replaced by C.
Protein change: p.Leu1658Pro; replaces leucine 1658 with proline.
Molecular consequence: missense variant.
Genome position (GRCh38, 1-based): chr1:1,050,326, T>C. VCF-style: chr1-1050326-T-C. GRCh37 (hg19) VCF-style: chr1-985706-T-C.
Other names: c.4973T>C, p.Leu1658Pro (NM_001305275.2); c.4658T>C, p.Leu1553Pro (NM_001364727.2); short protein forms L1553P, L1658P.
Identifiers: ClinVar variation 998675 (VCV000998675.10), dbSNP rs1645244659, ClinGen allele CA337779797.